The following is an entry in ClinVar:

NM_001256236.2(PGAP2):c.-60_-57del

Gene: PGAP2 (post-GPI attachment to proteins 2; plus strand). Cytogenetic location: 11p15.4.
Variant type: Deletion.
Coding change: c.-60_-57del on transcript NM_001256236.2; 60 bases upstream of the start codon through 57 bases upstream of the start codon, 4 bases deleted (ATCA; older notation c.-60_-57delATCA).
Molecular consequence: 5 prime UTR variant. On other transcripts: frameshift variant (2), non-coding transcript variant (8), intron variant (1).
Genome position (GRCh38, 1-based): chr11:3,797,955-3,797,958, ATCA deleted; deleting any 4 consecutive bases within chr11:3,797,953-3,797,958 gives the same sequence; the c. name uses the placement nearest the transcript's 3' end. VCF-style (leftmost placement, unchanged base first): chr11-3797952-CCAAT-C. GRCh37 (hg19) VCF-style: chr11-3819182-CCAAT-C.
Other names: c.-60_-57del (NM_001145438.3, NM_001256237.2, NM_001283038.2); c.112_115delATCA, p.Ile38Glufs (NM_001256236.1); c.-90_-87del (NM_001283039.2); c.112_115del, p.Ile38fs (NM_001283040.1); c.-25_-22del (NM_001346397.2, NM_001346402.2); c.-56_-53del (NM_001346398.2, NM_001346400.2); c.-263_-260del (NM_001346399.2); c.-381_-378del (NM_001346401.2); and 1 more; short protein forms I38fs.
Identifiers: ClinVar variation 4294005 (VCV004294005.1).

ClinVar aggregate classification (germline): Pathogenic (1 of 4 stars; one submission).

Conditions:
Hyperphosphatasia with impaired intellectual development syndrome 3. Also called: GLYCOSYLPHOSPHATIDYLINOSITOL BIOSYNTHESIS DEFECT 8; Hyperphosphatasia with intellectual disability syndrome 3. Identifiers: Orphanet 247262, MedGen C3280153, MONDO:0013628, OMIM 614207.

Submission:

3billion
Classification: Pathogenic for Hyperphosphatasia with impaired intellectual development syndrome 3. Last evaluated: 2024-08-27. Review status: criteria provided, single submitter. Criteria: ACMG Guidelines, 2015. Collection method: clinical testing. Allele origin: germline. Affected: yes.
Comment: The variant is observed at an extremely low frequency in the gnomAD v4.0.0 dataset (total allele frequency: <0.001%). Predicted Consequence/Location: Frameshift: predicted to result in a loss or disruption of normal protein function through nonsense-mediated decay (NMD) or protein truncation. Multiple pathogenic variants are reported downstream of the variant. Therefore, this variant is classified as Pathogenic according to the recommendation of ACMG/AMP guideline.